The following is an entry in ClinVar:

NM_001036.6(RYR3):c.6452C>T (p.Ala2151Val)

Gene: RYR3 (ryanodine receptor 3; plus strand). Cytogenetic location: 15q14.
Variant type: single nucleotide variant.
Coding change: c.6452C>T on transcript NM_001036.6 (MANE Select); coding-DNA position 6452, C replaced by T.
Protein change: p.Ala2151Val; replaces alanine 2151 with valine.
Molecular consequence: missense variant.
Genome position (GRCh38, 1-based): chr15:33,701,049, C>T. VCF-style: chr15-33701049-C-T. GRCh37 (hg19) VCF-style: chr15-33993250-C-T.
Other names: c.6452C>T, p.Ala2151Val (NM_001243996.4); short protein forms A2151V.
Identifiers: ClinVar variation 653108 (VCV000653108.11), dbSNP rs748718316, ClinGen allele CA7459565.

ClinVar aggregate classification (germline): Uncertain significance. Review status: criteria provided, multiple submitters, no conflicts (2 of 4 stars). 2 submissions from 2 submitters: Uncertain significance (2). Last evaluated 2023-11-03.

Conditions:
Epileptic encephalopathy. Identifiers: MedGen C0543888, HP:0200134.

Allele frequency attached by ClinVar (database versions not stated): ExAC 0.00003; TOPMed 0.00004; gnomAD 0.00005.
gnomAD v4.1: 59 of 1,613,062 alleles (0.0037%); highest among the groups gnomAD compares: Non-Finnish European, 0.0048%; no homozygotes.

Submissions (2):

Women's Health and Genetics/Laboratory Corporation of America, LabCorp
Classification: Uncertain significance. Last evaluated: 2023-11-03. Review status: criteria provided, single submitter. Criteria: LabCorp Variant Classification Summary - May 2015. Collection method: clinical testing. Allele origin: germline.
Comment: Variant summary: RYR3 c.6452C>T (p.Ala2151Val) results in a non-conservative amino acid change in the encoded protein sequence. Five of five in-silico tools predict a damaging effect of the variant on protein function. The variant allele was found at a frequency of 2e-05 in 247932 control chromosomes. The available data on variant occurrences in the general population are insufficient to allow any conclusion about variant significance. c.6452C>T has been reported in the literature in at least one individual affected with severe early-onset epilepsy without evidence for causality (e.g. Stanek_2018). These report(s) do not provide unequivocal conclusions about association of the variant with Congenital Myopathy 20. To our knowledge, no experimental evidence demonstrating an impact on protein function has been reported. The following publication has been ascertained in the context of this evaluation (PMID: 29720203). One submitter has cited clinical-significance assessments for this variant to ClinVar after 2014 and has classified the variant as uncertain significance. Based on the evidence outlined above, the variant was classified as uncertain significance.

Labcorp Genetics (formerly Invitae), Labcorp
Classification: Uncertain significance for Epileptic encephalopathy. Last evaluated: 2020-01-27. Review status: criteria provided, single submitter. Criteria: Invitae Variant Classification Sherloc (09022015). Collection method: clinical testing. Allele origin: germline.
Comment: In summary, the available evidence is currently insufficient to determine the role of this variant in disease. Therefore, it has been classified as a Variant of Uncertain Significance. Algorithms developed to predict the effect of missense changes on protein structure and function (SIFT, PolyPhen-2, Align-GVGD) all suggest that this variant is likely to be disruptive, but these predictions have not been confirmed by published functional studies and their clinical significance is uncertain. This variant has not been reported in the literature in individuals with RYR3-related disease. This variant is present in population databases (rs748718316, ExAC 0.005%). This sequence change replaces alanine with valine at codon 2151 of the RYR3 protein (p.Ala2151Val). The alanine residue is highly conserved and there is a small physicochemical difference between alanine and valine.

Literature cited by the submitters: PubMed 29720203 (cited by Women's Health and Genetics/Laboratory Corporation of America, LabCorp).